The following is an entry in ClinVar:

ClinVar aggregate classification (germline): Uncertain significance (1 of 4 stars; one submission).

Submission:

CeGaT Center for Human Genetics Tuebingen
Classification: Uncertain significance. Last evaluated: 2022-10-01. Review status: criteria provided, single submitter. Criteria: CeGaT Center For Human Genetics Tuebingen Variant Classification Criteria Version 2. Collection method: clinical testing. Allele origin: germline. Affected: yes. Observed: 1 variant allele.
Comment: PRR12: PM2, PP2

NM_020719.3(PRR12):c.3491G>T (p.Arg1164Leu)

Gene: PRR12 (proline rich 12; plus strand). Cytogenetic location: 19q13.33.
Variant type: single nucleotide variant.
Coding change: c.3491G>T on transcript NM_020719.3 (MANE Select); coding-DNA position 3491, G replaced by T.
Protein change: p.Arg1164Leu; replaces arginine 1164 with leucine.
Molecular consequence: missense variant.
Genome position (GRCh38, 1-based): chr19:49,597,826, G>T. VCF-style: chr19-49597826-G-T. GRCh37 (hg19) VCF-style: chr19-50101083-G-T.
Other names: short protein forms R1164L.
Identifiers: ClinVar variation 1879449 (VCV001879449.29), dbSNP rs2080784997, ClinGen allele CA406884378.